The following is an entry in ClinVar:

NM_000152.5(GAA):c.1836C>G (p.His612Gln)

Gene: GAA (alpha glucosidase; plus strand). Cytogenetic location: 17q25.3.
Variant type: single nucleotide variant.
Coding change: c.1836C>G on transcript NM_000152.5 (MANE Select); coding-DNA position 1836, C replaced by G.
Protein change: p.His612Gln; replaces histidine 612 with glutamine.
Molecular consequence: missense variant.
Genome position (GRCh38, 1-based): chr17:80,112,659, C>G. VCF-style: chr17-80112659-C-G. GRCh37 (hg19) VCF-style: chr17-78086458-C-G.
Other names: c.1836C>G, p.His612Gln (NM_001079803.3, NM_001079804.3); short protein forms H612Q.
Identifiers: ClinVar variation 972801 (VCV000972801.5), dbSNP rs768397968, ClinGen allele CA401369566.

ClinVar aggregate classification (germline): Likely pathogenic. Review status: criteria provided, multiple submitters, no conflicts (2 of 4 stars). 4 submissions from 4 submitters: Likely pathogenic (4). Last evaluated 2026-07-01.

Conditions:
Glycogen storage disease, type II (IOPD). Also called: CARDIOMEGALIA GLYCOGENICA DIFFUSA; Glycogen storage disease type 2; Acid maltase deficiency disease; Aglucosidase alfa; Deficiency of alpha-glucosidase; Deficiency of lysosomal alpha-glucosidase. Identifiers: Orphanet 365, MedGen C0017921, MONDO:0009290, OMIM 232300.

Allele frequency attached by ClinVar (database versions not stated): TOPMed below 0.00001.

Submissions (4):

Genomenon, Inc
Classification: Likely pathogenic for Glycogen storage disease, type II. Last evaluated: 2026-07-01. Review status: criteria provided, single submitter. Criteria: Genomenon Sequence Variant Interpretation Standards - Updated. Collection method: curation. Allele origin: germline. Affected: yes.
Comment: GAA p.His612Gln (c.1836C>G) is a missense variant that changes the amino acid at codon 612 from Histidine to Glutamine. This variant has been observed in at least one proband with a GAA-related disorder in the compound heterozygous and/or homozygous state (PMID:25396301;21179524;16917947). At least one functional study has demonstrated a substantial alteration in protein function relative to the wild-type (PMID:19862843;17915575). It is absent or not present at a significant frequency in gnomAD. In silico models predict that this variant is possibly or probably damaging. In conclusion, we classify GAA p.His612Gln (c.1836C>G) as a likely pathogenic variant.

Labcorp Genetics (formerly Invitae), Labcorp
Classification: Likely pathogenic for Glycogen storage disease, type II. Last evaluated: 2025-11-13. Review status: criteria provided, single submitter. Criteria: Invitae Variant Classification Sherloc (09022015). Collection method: clinical testing. Allele origin: germline.
Comment: This sequence change replaces histidine, which is basic and polar, with glutamine, which is neutral and polar, at codon 612 of the GAA protein (p.His612Gln). This variant is present in population databases (no rsID available, gnomAD 0.007%). This missense change has been observed in individual(s) with Pompe disease (PMID: 16917947). ClinVar contains an entry for this variant (Variation ID: 972801). Invitae Evidence Modeling of protein sequence and biophysical properties (such as structural, functional, and spatial information, amino acid conservation, physicochemical variation, residue mobility, and thermodynamic stability) indicates that this missense variant is expected to disrupt GAA protein function with a positive predictive value of 95%. Experimental studies have shown that this missense change affects GAA function (PMID: 16917947, 19862843). This variant disrupts the p.His612 amino acid residue in GAA. Other variant(s) that disrupt this residue have been observed in individuals with GAA-related conditions (PMID: 16917947, 19588081, 29122469), which suggests that this may be a clinically significant amino acid residue. In summary, the currently available evidence indicates that the variant is pathogenic, but additional data are needed to prove that conclusively. Therefore, this variant has been classified as Likely Pathogenic.

Women's Health and Genetics/Laboratory Corporation of America, LabCorp
Classification: Likely pathogenic for Glycogen storage disease, type II. Last evaluated: 2024-12-11. Review status: criteria provided, single submitter. Criteria: LabCorp Variant Classification Summary - May 2015. Collection method: clinical testing. Allele origin: germline.
Comment: Variant summary: GAA c.1836C>G (p.His612Gln) results in a non-conservative amino acid change located in the Glycosyl hydrolases family 31 TIM-barrel domain (IPR000322) of the encoded protein sequence. Five of five in-silico tools predict a damaging effect of the variant on protein function. The variant allele was found at a frequency of 4.1e-06 in 245684 control chromosomes. c.1836C>G has been reported in the presumed compound heterozygous state in the literature in at least 1 individual affected with Glycogen Storage Disease, Type 2 (Pompe Disease) (example, Angelini_2012, Angelini_2009, de Filippi_2014, Montalvo_2006, Pittis_2007, de Filippi_2010). At least one publication reports experimental evidence evaluating an impact on protein function. The most pronounced variant effect results in <10% of normal activity in vitro (example, Flanagan_2009, Pittis_2007). The following publications have been ascertained in the context of this evaluation (PMID: 22081099, 33717985, 25103075, 19862843, 16917947, 17915575, 20308911). ClinVar contains an entry for this variant (Variation ID: 972801). Based on the evidence outlined above, the variant was classified as likely pathogenic.

Broad Center for Mendelian Genomics, Broad Institute of MIT and Harvard
Classification: Likely pathogenic for Glycogen storage disease, type II. Last evaluated: 2020-01-15. Review status: criteria provided, single submitter. Criteria: ACMG Guidelines, 2015. Collection method: curation. Allele origin: germline. Inheritance: Autosomal recessive inheritance.
Comment: The p.His612Gln variant in GAA has been reported in at least one Italian individual with glycogen storage disease II (PMID: 16917947, 17915575) and has been identified in 0.007% (1/15326) of African chromosomes by the Genome Aggregation Database (gnomAD; dbSNP rs768397968). Although this variant has been seen in the general population, its frequency is low enough to be consistent with a recessive carrier frequency. In vitro functional studies using cells transfected with the variant provide some evidence that the p.His612Gln variant may impact protein function (PMID: 16917947, 17915575). However, these types of assays may not accurately represent biological function. Computational prediction tools and conservation analyses suggest that this variant may impact the protein, though this information is not predictive enough to determine pathogenicity. This variant was reported in combination with reported pathogenic variant c.-32-13T>G and in an individual with glycogen storage disease II (VariationID: 4027, PMID: 16917947). In summary, although additional studies are required to fully establish its clinical significance, this variant is likely pathogenic. ACMG/AMP Criteria applied: PS3, PM2, PP3 (Richards 2015).

Literature cited by the submitters: PubMed 25396301 (cited by Genomenon, Inc); PubMed 21179524 (cited by Genomenon, Inc); PubMed 16917947 (cited by 4 submitters); PubMed 19862843 (cited by 3 submitters); PubMed 17915575 (cited by 3 submitters); PubMed 19588081 (cited by Labcorp Genetics (formerly Invitae), Labcorp); PubMed 29122469 (cited by Labcorp Genetics (formerly Invitae), Labcorp); PubMed 22081099 (cited by Women's Health and Genetics/Laboratory Corporation of America, LabCorp); PubMed 25103075 (cited by Women's Health and Genetics/Laboratory Corporation of America, LabCorp); PubMed 33717985 (cited by Women's Health and Genetics/Laboratory Corporation of America, LabCorp); PubMed 20308911 (cited by Women's Health and Genetics/Laboratory Corporation of America, LabCorp).